The following is an entry in ClinVar:

NM_032119.4(ADGRV1):c.4770A>G (p.Ser1590=)

Gene: ADGRV1 (adhesion G protein-coupled receptor V1; plus strand). Cytogenetic location: 5q14.3.
Variant type: single nucleotide variant.
Coding change: c.4770A>G on transcript NM_032119.4 (MANE Select); coding-DNA position 4770, A replaced by G.
Protein change: p.Ser1590=; no amino-acid change (serine 1590 retained).
Molecular consequence: synonymous variant. On other transcripts: non-coding transcript variant (1).
Genome position (GRCh38, 1-based): chr5:90,672,563, A>G. VCF-style: chr5-90672563-A-G. GRCh37 (hg19) VCF-style: chr5-89968380-A-G.
Identifiers: ClinVar variation 905697 (VCV000905697.37), dbSNP rs144401211, ClinGen allele CA3339411.

ClinVar aggregate classification (germline): Conflicting classifications of pathogenicity. Review status: criteria provided, conflicting classifications (1 of 4 stars). 5 submissions from 5 submitters: Uncertain significance (1); Likely benign (4). Last evaluated 2026-01-19.

Conditions:
ADGRV1-related disorder. Also called: ADGRV1-related disorders; ADGRV1-related condition.
Usher syndrome type 2C. Also called: Usher syndrome, type 2B; USHER SYNDROME, TYPE IIC. Identifiers: Orphanet 231178, Orphanet 886, MedGen C2931213, MONDO:0011558, OMIM 605472.

Allele frequency attached by ClinVar (database versions not stated): 1000 Genomes Project 30x 0.00078; 1000 Genomes Project 0.00100; gnomAD 0.00011 and 0.00017; gnomAD exomes 0.00015 and 0.00024; TOPMed 0.00018; ExAC 0.00022.
gnomAD v4.1: 245 of 1,613,686 alleles (0.015%); highest among the groups gnomAD compares: East Asian, 0.32%; 4 homozygotes.

Submissions (5):

Labcorp Genetics (formerly Invitae), Labcorp
Classification: Likely benign. Last evaluated: 2026-01-19. Review status: criteria provided, single submitter. Criteria: Invitae Variant Classification Sherloc (09022015). Collection method: clinical testing. Allele origin: germline.

PreventionGenetics, part of Exact Sciences
Classification: Likely benign for ADGRV1-related condition. Last evaluated: 2025-04-25. Review status: criteria provided, single submitter. Criteria: ACMG Guidelines, 2015. Collection method: clinical testing. Allele origin: germline.
Comment: This variant is classified as likely benign based on ACMG/AMP sequence variant interpretation guidelines (Richards et al. 2015 PMID: 25741868, with internal and published modifications).

Blueprint Genetics
Classification: Likely benign. Last evaluated: 2024-10-16. Review status: criteria provided, single submitter. Criteria: ACMG Guidelines, 2015. Collection method: clinical testing. Allele origin: germline.

CeGaT Center for Human Genetics Tuebingen
Classification: Likely benign. Last evaluated: 2022-04-01. Review status: criteria provided, single submitter. Criteria: CeGaT Center For Human Genetics Tuebingen Variant Classification Criteria Version 2. Collection method: clinical testing. Allele origin: germline. Affected: yes. Observed: 1 variant allele.
Comment: ADGRV1: BP4, BP7

Illumina Laboratory Services, Illumina
Classification: Uncertain significance for Usher syndrome type 2C. Last evaluated: 2018-01-13. Review status: criteria provided, single submitter. Criteria: ICSL Variant Classification Criteria 13 December 2019. Collection method: clinical testing. Allele origin: germline.